The following is an entry in ClinVar:

ClinVar aggregate classification (germline): Benign/Likely benign. Review status: criteria provided, multiple submitters, no conflicts (2 of 4 stars). 4 submissions from 4 submitters: Benign (1); Likely benign (2). 1 of the submissions does not count toward it. Last evaluated 2026-03-26.

Conditions:
Prostate cancer, hereditary, 9 (HPC9). Identifiers: Orphanet 1331, MedGen C1970250, MONDO:0012597, OMIM 610997.
Hereditary cancer-predisposing syndrome. Also called: Neoplastic Syndromes, Hereditary; Hereditary neoplastic syndrome; Hereditary Cancer Syndrome; Tumor predisposition. Identifiers: Orphanet 140162, MedGen C0027672, MeSH D009386, MONDO:0015356.
Prostate cancer, hereditary, 1 (HPC1). Identifiers: Orphanet 1331, MedGen C4722327, MONDO:0011098, OMIM 601518.

Submissions (4):

Ambry Genetics
Classification: Likely benign for Hereditary cancer-predisposing syndrome. Last evaluated: 2026-03-26. Review status: criteria provided, single submitter. Criteria: Ambry Variant Classification Scheme 2023. Collection method: clinical testing. Allele origin: germline.

Myriad Genetics, Inc.
Classification: Benign for Prostate cancer, hereditary, 9. Last evaluated: 2024-10-31. Review status: criteria provided, single submitter. Criteria: Myriad Autosomal Dominant, Autosomal Recessive and X-Linked Classification Criteria (2023). Collection method: clinical testing. Allele origin: unknown.
Comment: This variant is considered benign. This variant is a silent/synonymous amino acid change and it is not expected to impact splicing.

Labcorp Genetics (formerly Invitae), Labcorp
Classification: Likely benign. Last evaluated: 2022-11-25. Review status: criteria provided, single submitter. Criteria: Invitae Variant Classification Sherloc (09022015). Collection method: clinical testing. Allele origin: germline.

Laboratory of Virology, Microbiology,  Quality and Medical Biotechnologies, Faculty of Sciences and Techniques - Mohammedia, Hassan II University of Casablanca
Classification: Uncertain significance for Prostate cancer, hereditary, 1. Review status: no assertion criteria provided. Collection method: clinical testing. Allele origin: somatic. Affected: yes. Not counted in ClinVar's aggregate classification.

NM_006361.6(HOXB13):c.762C>T (p.Ser254=)

Gene: HOXB13 (homeobox B13; minus strand). Cytogenetic location: 17q21.32.
Variant type: single nucleotide variant.
Coding change: c.762C>T on transcript NM_006361.6 (MANE Select); coding-DNA position 762, C replaced by T.
Protein change: p.Ser254=; no amino-acid change (serine 254 retained).
Molecular consequence: synonymous variant.
Genome position (GRCh38, 1-based): chr17:48,726,883, G>A on the plus strand (C>T on the coding strand, the complement: HOXB13 is on the minus strand). VCF-style: chr17-48726883-G-A. GRCh37 (hg19) VCF-style: chr17-46804245-G-A.
Identifiers: ClinVar variation 691190 (VCV000691190.11), dbSNP rs1597932620, ClinGen allele CA500500673.